The following is an entry in ClinVar:

ClinVar aggregate classification (germline): Likely benign (1 of 4 stars; one submission).

Submission:

CeGaT Center for Human Genetics Tuebingen
Classification: Likely benign. Last evaluated: 2025-02-01. Review status: criteria provided, single submitter. Criteria: CeGaT Center For Human Genetics Tuebingen Variant Classification Criteria Version 2. Collection method: clinical testing. Allele origin: germline. Affected: yes. Observed: 1 variant allele.
Comment: NUTM2D: BP4, BP7

NM_001382304.1(NUTM2D):c.1464G>A (p.Pro488=)

Gene: NUTM2D (NUT family member 2D; plus strand). Cytogenetic location: 10q23.2.
Variant type: single nucleotide variant.
Coding change: c.1464G>A on transcript NM_001382304.1 (MANE Select); coding-DNA position 1464, G replaced by A.
Protein change: p.Pro488=; no amino-acid change (proline 488 retained).
Molecular consequence: synonymous variant.
Genome position (GRCh38, 1-based): chr10:87,365,149, G>A. VCF-style: chr10-87365149-G-A. GRCh37 (hg19) VCF-style: chr10-89124906-G-A.
Other names: c.1464G>A, p.Pro488= (NM_001009610.2).
Identifiers: ClinVar variation 3770704 (VCV003770704.13).